The following is an entry in ClinVar:

ClinVar aggregate classification (germline): Uncertain significance. Review status: criteria provided, multiple submitters, no conflicts (2 of 4 stars). 2 submissions from 2 submitters: Uncertain significance (2). Last evaluated 2017-04-27.

Conditions:
Corneal dystrophy. Identifiers: Orphanet 34533, MedGen C0010036, MONDO:0018102, HP:0001131.

Allele frequency attached by ClinVar (database versions not stated): TOPMed 0.00010; ESP Exome Variant Server 0.00016; ExAC 0.00021; 1000 Genomes Project 30x 0.00031; 1000 Genomes Project 0.00040.

Submissions (2):

Illumina Laboratory Services, Illumina
Classification: Uncertain significance for Corneal dystrophy. Last evaluated: 2017-04-27. Review status: criteria provided, single submitter. Criteria: ICSL Variant Classification Criteria 13 December 2019. Collection method: clinical testing. Allele origin: germline.
Comment: This variant was observed as part of a predisposition screen in an ostensibly healthy population. A literature search was performed for the gene, cDNA change, and amino acid change (where applicable). Publications were found based on this search. However, the evidence from the literature, in combination with allele frequency data from public databases where available, was not sufficient to rule this variant in or out of causing disease. Therefore, this variant is classified as a variant of unknown significance.

Breakthrough Genomics
Classification: Uncertain significance. Review status: criteria provided, single submitter. Criteria: ACMG Guidelines, 2015. Collection method: not provided. Allele origin: germline. Inheritance: Autosomal dominant inheritance. Affected: yes.

Literature cited by the submitters: PubMed 24940934 (cited by Illumina Laboratory Services, Illumina); PubMed 21744490 (cited by Illumina Laboratory Services, Illumina).

NM_000358.3(TGFBI):c.1949C>T (p.Ala650Val)

Gene: TGFBI (transforming growth factor beta induced; plus strand). Cytogenetic location: 5q31.1.
Variant type: single nucleotide variant.
Coding change: c.1949C>T on transcript NM_000358.3 (MANE Select); coding-DNA position 1949, C replaced by T.
Protein change: p.Ala650Val; replaces alanine 650 with valine.
Molecular consequence: missense variant.
Genome position (GRCh38, 1-based): chr5:136,061,542, C>T. VCF-style: chr5-136061542-C-T. GRCh37 (hg19) VCF-style: chr5-135397231-C-T.
Other names: short protein forms A650V.
Identifiers: ClinVar variation 905258 (VCV000905258.5), dbSNP rs188333040, ClinGen allele CA3420587.